The following is an entry in ClinVar:

ClinVar aggregate classification (germline): Uncertain significance (1 of 4 stars; one submission).

Conditions:
DSTYK-related disroder.

Submission:

Daryl Scott Lab, Baylor College of Medicine
Classification: Uncertain significance for DSTYK-related disroder. Last evaluated: 2024-01-01. Review status: criteria provided, single submitter. Criteria: ACMG Guidelines, 2015. Collection method: clinical testing. Allele origin: unknown. Observed: 1 heterozygote.
Comment: PM2, PP3

NM_015375.3(DSTYK):c.2231G>C (p.Gly744Ala)

Gene: DSTYK (dual serine/threonine and tyrosine protein kinase; minus strand). Cytogenetic location: 1q32.1.
Variant type: single nucleotide variant.
Coding change: c.2231G>C on transcript NM_015375.3 (MANE Select); coding-DNA position 2231, G replaced by C.
Protein change: p.Gly744Ala; replaces glycine 744 with alanine.
Molecular consequence: missense variant.
Genome position (GRCh38, 1-based): chr1:205,159,554, C>G on the plus strand (G>C on the coding strand, the complement: DSTYK is on the minus strand). VCF-style: chr1-205159554-C-G. GRCh37 (hg19) VCF-style: chr1-205128682-C-G.
Other names: c.2231G>C, p.Gly744Ala (NM_199462.3); short protein forms G744A.
Identifiers: ClinVar variation 3764617 (VCV003764617.1).